The following is an entry in ClinVar:

ClinVar aggregate classification (germline): Uncertain significance (1 of 4 stars; one submission).

Submission:

GeneDx
Classification: Uncertain significance. Last evaluated: 2020-06-08. Review status: criteria provided, single submitter. Criteria: GeneDx Variant Classification Process June 2021. Collection method: clinical testing. Allele origin: germline. Affected: yes.
Comment: Not observed in large population cohorts (Lek et al., 2016); In silico analysis supports that this missense variant has a deleterious effect on protein structure/function; Has not been previously published as pathogenic or benign to our knowledge

NM_000523.4(HOXD13):c.952A>G (p.Arg318Gly)

Gene: HOXD13 (homeobox D13; plus strand). Cytogenetic location: 2q31.1.
Variant type: single nucleotide variant.
Coding change: c.952A>G on transcript NM_000523.4 (MANE Select); coding-DNA position 952, A replaced by G.
Protein change: p.Arg318Gly; replaces arginine 318 with glycine.
Molecular consequence: missense variant.
Genome position (GRCh38, 1-based): chr2:176,094,650, A>G. VCF-style: chr2-176094650-A-G. GRCh37 (hg19) VCF-style: chr2-176959378-A-G.
Other names: short protein forms R318G.
Identifiers: ClinVar variation 1312400 (VCV001312400.2), dbSNP rs2105379907, ClinGen allele CA349353867.